The following is an entry in ClinVar:

NM_000168.6(GLI3):c.1363C>T (p.Pro455Ser)

Gene: GLI3 (GLI family zinc finger 3; minus strand). Cytogenetic location: 7p14.1.
Variant type: single nucleotide variant.
Coding change: c.1363C>T on transcript NM_000168.6 (MANE Select); coding-DNA position 1363, C replaced by T.
Protein change: p.Pro455Ser; replaces proline 455 with serine.
Molecular consequence: missense variant.
Genome position (GRCh38, 1-based): chr7:42,023,602, G>A on the plus strand (C>T on the coding strand, the complement: GLI3 is on the minus strand). VCF-style: chr7-42023602-G-A. GRCh37 (hg19) VCF-style: chr7-42063201-G-A.
Other names: short protein forms P455S.
Identifiers: ClinVar variation 3363254 (VCV003363254.1).

ClinVar aggregate classification (germline): Uncertain significance (1 of 4 stars; one submission).

Submission:

GeneDx
Classification: Uncertain significance. Last evaluated: 2023-10-30. Review status: criteria provided, single submitter. Criteria: GeneDx Variant Classification Process June 2021. Collection method: clinical testing. Allele origin: germline. Affected: yes.
Comment: Not observed at significant frequency in large population cohorts (gnomAD); In silico analysis supports that this missense variant does not alter protein structure/function; Has not been previously published as pathogenic or benign to our knowledge